The following is an entry in ClinVar:

NM_004415.4(DSP):c.2131-3C>G

Gene: DSP (desmoplakin; plus strand). Cytogenetic location: 6p24.3.
Variant type: single nucleotide variant.
Coding change: c.2131-3C>G on transcript NM_004415.4 (MANE Select); 3 bases into the intron before coding-DNA position 2131, C replaced by G.
Molecular consequence: intron variant.
Genome position (GRCh38, 1-based): chr6:7,574,083, C>G. VCF-style: chr6-7574083-C-G. GRCh37 (hg19) VCF-style: chr6-7574316-C-G.
Other names: c.2131-3C>G (NM_001319034.2, NM_001008844.3).
Identifiers: ClinVar variation 3778545 (VCV003778545.7).

ClinVar aggregate classification (germline): Uncertain significance (1 of 4 stars; one submission).

Submission:

CeGaT Center for Human Genetics Tuebingen
Classification: Uncertain significance. Last evaluated: 2025-03-01. Review status: criteria provided, single submitter. Criteria: CeGaT Center For Human Genetics Tuebingen Variant Classification Criteria Version 2. Collection method: clinical testing. Allele origin: germline. Affected: yes. Observed: 1 variant allele.
Comment: DSP: PM2, PP3